The following is an entry in ClinVar:

NM_005257.6(GATA6):c.16G>A (p.Gly6Ser)

Gene: GATA6 (GATA binding protein 6; plus strand). Cytogenetic location: 18q11.2.
Variant type: single nucleotide variant.
Coding change: c.16G>A on transcript NM_005257.6 (MANE Select); coding-DNA position 16, G replaced by A.
Protein change: p.Gly6Ser; replaces glycine 6 with serine.
Molecular consequence: missense variant.
Genome position (GRCh38, 1-based): chr18:22,171,160, G>A. VCF-style: chr18-22171160-G-A. GRCh37 (hg19) VCF-style: chr18-19751121-G-A.
Other names: c.16G>A (NM_005257.4, NM_005257.3); short protein forms G6S.
Identifiers: ClinVar variation 962284 (VCV000962284.9), dbSNP rs139750927, ClinGen allele CA8908788.

ClinVar aggregate classification (germline): Uncertain significance. Review status: criteria provided, multiple submitters, no conflicts (2 of 4 stars). 3 submissions from 3 submitters: Uncertain significance (3). Last evaluated 2025-09-23.

Conditions:
Inborn genetic diseases. Identifiers: MedGen C0950123, MeSH D030342.
Atrioventricular septal defect 5 (AVSD5). Identifiers: MedGen C3280939, MONDO:0013769, OMIM 614474.

Allele frequency attached by ClinVar (database versions not stated): ExAC 0.00002; gnomAD 0.00006 and 0.00007; TOPMed 0.00008; ESP Exome Variant Server 0.00016.

Submissions (3):

Labcorp Genetics (formerly Invitae), Labcorp
Classification: Uncertain significance for Atrioventricular septal defect 5. Last evaluated: 2025-09-23. Review status: criteria provided, single submitter. Criteria: Invitae Variant Classification Sherloc (09022015). Collection method: clinical testing. Allele origin: germline.
Comment: This sequence change replaces glycine, which is neutral and non-polar, with serine, which is neutral and polar, at codon 6 of the GATA6 protein (p.Gly6Ser). This variant is present in population databases (rs139750927, gnomAD 0.008%). This variant has not been reported in the literature in individuals affected with GATA6-related conditions. ClinVar contains an entry for this variant (Variation ID: 962284). An algorithm developed to predict the effect of missense changes on protein structure and function outputs the following: PolyPhen-2: "Benign". The serine amino acid residue is found in multiple mammalian species, which suggests that this missense change does not adversely affect protein function. In summary, the available evidence is currently insufficient to determine the role of this variant in disease. Therefore, it has been classified as a Variant of Uncertain Significance.

GeneDx
Classification: Uncertain significance. Last evaluated: 2024-11-19. Review status: criteria provided, single submitter. Criteria: GeneDx Variant Classification Process June 2021. Collection method: clinical testing. Allele origin: germline. Affected: yes.
Comment: In silico analysis indicates that this missense variant does not alter protein structure/function; Has not been previously published as pathogenic or benign to our knowledge

Ambry Genetics
Classification: Uncertain significance for Inborn genetic diseases. Last evaluated: 2022-01-06. Review status: criteria provided, single submitter. Criteria: Ambry Variant Classification Scheme 2023. Collection method: clinical testing. Allele origin: germline.